The following is an entry in ClinVar:

ClinVar aggregate classification (germline): Conflicting classifications of pathogenicity. Review status: criteria provided, conflicting classifications (1 of 4 stars). 3 submissions from 3 submitters: Uncertain significance (1); Likely benign (2). Last evaluated 2025-05-13.

Conditions:
ABCA4-related disorder. Also called: ABCA4-related condition; ABCA4-related disorders. Identifiers: MedGen CN239167.

Allele frequency attached by ClinVar (database versions not stated): ExAC 0.00002; gnomAD exomes 0.00002 and 0.00008; gnomAD 0.00005; TOPMed 0.00005.
gnomAD v4.1: 122 of 1,614,094 alleles (0.0076%); highest among the groups gnomAD compares: Non-Finnish European, 0.0097%; no homozygotes.

Submissions (3):

Labcorp Genetics (formerly Invitae), Labcorp
Classification: Likely benign. Last evaluated: 2025-05-13. Review status: criteria provided, single submitter. Criteria: Invitae Variant Classification Sherloc (09022015). Collection method: clinical testing. Allele origin: germline.

PreventionGenetics, part of Exact Sciences
Classification: Likely benign for ABCA4-related condition. Last evaluated: 2025-02-27. Review status: criteria provided, single submitter. Criteria: ACMG Guidelines, 2015. Collection method: clinical testing. Allele origin: germline.
Comment: This variant is classified as likely benign based on ACMG/AMP sequence variant interpretation guidelines (Richards et al. 2015 PMID: 25741868, with internal and published modifications).

Blueprint Genetics
Classification: Uncertain significance. Last evaluated: 2023-11-10. Review status: criteria provided, single submitter. Criteria: ACMG Guidelines, 2015. Collection method: clinical testing. Allele origin: germline.

NM_000350.3(ABCA4):c.6282+9G>A

Gene: ABCA4 (ATP binding cassette subfamily A member 4; minus strand). Cytogenetic location: 1p22.1.
Variant type: single nucleotide variant.
Coding change: c.6282+9G>A on transcript NM_000350.3 (MANE Select); 9 bases into the intron after coding-DNA position 6282, G replaced by A.
Molecular consequence: intron variant.
Genome position (GRCh38, 1-based): chr1:94,001,849, C>T on the plus strand (G>A on the coding strand, the complement: ABCA4 is on the minus strand). VCF-style: chr1-94001849-C-T. GRCh37 (hg19) VCF-style: chr1-94467405-C-T.
Identifiers: ClinVar variation 866171 (VCV000866171.12), dbSNP rs758705900, ClinGen allele CA956974.